The following is an entry in ClinVar:

NM_015331.3(NCSTN):c.1141G>C (p.Asp381His)

Gene: NCSTN (nicastrin; plus strand). Cytogenetic location: 1q23.2.
Variant type: single nucleotide variant.
Coding change: c.1141G>C on transcript NM_015331.3 (MANE Select); coding-DNA position 1141, G replaced by C.
Protein change: p.Asp381His; replaces aspartic acid 381 with histidine.
Molecular consequence: missense variant.
Genome position (GRCh38, 1-based): chr1:160,353,199, G>C. VCF-style: chr1-160353199-G-C. GRCh37 (hg19) VCF-style: chr1-160322989-G-C.
Other names: c.1081G>C, p.Asp361His (NM_001290184.2); c.727G>C, p.Asp243His (NM_001290186.2); c.1141G>C, p.Asp381His (NM_001349729.2); short protein forms D243H, D361H, D381H.
Identifiers: ClinVar variation 4811605 (VCV004811605.1).

ClinVar aggregate classification (germline): Uncertain significance (1 of 4 stars; one submission).

gnomAD v4.1: 1 of 1,614,154 alleles (0.000062%); highest among the groups gnomAD compares: South Asian, 0.0011%; no homozygotes.

Submission:

Labcorp Genetics (formerly Invitae), Labcorp
Classification: Uncertain significance. Last evaluated: 2026-01-02. Review status: criteria provided, single submitter. Criteria: Invitae Variant Classification Sherloc (09022015). Collection method: clinical testing. Allele origin: germline.
Comment: This sequence change replaces aspartic acid, which is acidic and polar, with histidine, which is basic and polar, at codon 381 of the NCSTN protein (p.Asp381His). This variant is present in population databases (no rsID available, gnomAD 0.003%). This variant has not been reported in the literature in individuals affected with NCSTN-related conditions. Invitae Evidence Modeling of protein sequence and biophysical properties (such as structural, functional, and spatial information, amino acid conservation, physicochemical variation, residue mobility, and thermodynamic stability) indicates that this missense variant is expected to disrupt NCSTN protein function with a positive predictive value of 80%. In summary, the available evidence is currently insufficient to determine the role of this variant in disease. Therefore, it has been classified as a Variant of Uncertain Significance.